The following is an entry in ClinVar:

ClinVar aggregate classification (germline): Likely benign (1 of 4 stars; one submission).

Submission:

CeGaT Center for Human Genetics Tuebingen
Classification: Likely benign. Last evaluated: 2026-02-01. Review status: criteria provided, single submitter. Criteria: CeGaT Center For Human Genetics Tuebingen Variant Classification Criteria Version 2. Collection method: clinical testing. Allele origin: germline. Affected: yes. Observed: 1 variant allele.
Comment: RYR2: PM2:Supporting, BP4, BP7

NM_001035.3(RYR2):c.3978C>A (p.Gly1326=)

Genes: RYR2 (ryanodine receptor 2; plus strand), LOC126806067 (BRD4-independent group 4 enhancer GRCh37_chr1:237753258-237754457; plus strand). Cytogenetic location: 1q43.
Variant type: single nucleotide variant.
Coding change: c.3978C>A on transcript NM_001035.3 (MANE Select); coding-DNA position 3978, C replaced by A.
Protein change: p.Gly1326=; no amino-acid change (glycine 1326 retained).
Molecular consequence: synonymous variant.
Genome position (GRCh38, 1-based): chr1:237,590,810, C>A. VCF-style: chr1-237590810-C-A. GRCh37 (hg19) VCF-style: chr1-237754110-C-A.
Identifiers: ClinVar variation 4821318 (VCV004821318.4).